The following is an entry in ClinVar:

ClinVar aggregate classification (germline): Pathogenic (1 of 4 stars; one submission).

Conditions:
Polycystic kidney disease, adult type (PKD1). Also called: POLYCYSTIC KIDNEY DISEASE, ADULT, TYPE I; Polycystic Kidney Disease 1, Autosomal Dominant; Polycystic kidney disease 1; Polycystic kidney disease 1, severe; Polycystic Kidney, Autosomal Dominant; POLYCYSTIC KIDNEY DISEASE 1 WITH OR WITHOUT POLYCYSTIC LIVER DISEASE. Identifiers: MedGen C3149841, MONDO:0008263, OMIM 173900.

Submission:

Juno Genomics, Hangzhou Juno Genomics, Inc
Classification: Pathogenic for Polycystic kidney disease, adult type. Review status: criteria provided, single submitter. Criteria: ACMG Guidelines, 2015. Collection method: clinical testing. Allele origin: germline. Affected: yes.
Comment: Absent from controls (or at extremely low frequency if recessive) in Genome Aggregation Database, Exome Sequencing Project, 1000 Genomes Project, or Exome Aggregation Consortium.;Null variant in a gene where loss of function (LOF) is a known mechanism of disease.;Patient's phenotype or family history is highly specific for a disease with a single genetic etiology.

NM_001009944.3(PKD1):c.3600_3608delinsC (p.Ala1201fs)

Gene: PKD1 (polycystin 1, transient receptor potential channel interacting; minus strand). Cytogenetic location: 16p13.3.
Variant type: Indel.
Coding change: c.3600_3608delinsC on transcript NM_001009944.3 (MANE Select); coding-DNA positions 3600 to 3608, GGCGGCCCA replaced by C.
Protein change: p.Ala1201fs; shifts the reading frame from alanine 1201.
Molecular consequence: frameshift variant.
Genome position (GRCh38, 1-based): chr16:2,111,559-2,111,567, TGGGCCGCC replaced by G on the plus strand (GGCGGCCCA replaced by C on the coding strand, the reverse complement: PKD1 is on the minus strand). VCF-style: chr16-2111559-TGGGCCGCC-G. GRCh37 (hg19) VCF-style: chr16-2161560-TGGGCCGCC-G.
Other names: c.3600_3608delinsC, p.Ala1201fs (NM_000296.4); short protein forms A1201fs.
Identifiers: ClinVar variation 3382402 (VCV003382402.2).